The following is an entry in ClinVar:

NM_178857.6(RP1L1):c.906G>A (p.Pro302=)

Gene: RP1L1 (RP1 like 1). Cytogenetic location: 8p23.1.
Variant type: single nucleotide variant.
Coding change: c.906G>A on transcript NM_178857.6 (MANE Select); coding-DNA position 906, G replaced by A.
Protein change: p.Pro302=; no amino-acid change (proline 302 retained).
Molecular consequence: synonymous variant.
Genome position (GRCh38, 1-based): chr8:10,613,192, C>T on the plus strand (G>A on the coding strand, the complement: RP1L1 is on the minus strand). VCF-style: chr8-10613192-C-T. GRCh37 (hg19) VCF-style: chr8-10470702-C-T.
Identifiers: ClinVar variation 425435 (VCV000425435.48), dbSNP rs368862886, ClinGen allele CA4625394.

ClinVar aggregate classification (germline): Benign/Likely benign. Review status: criteria provided, multiple submitters, no conflicts (2 of 4 stars). 3 submissions from 3 submitters: Benign (1); Likely benign (2). Last evaluated 2024-11-27.

Conditions:
Occult macular dystrophy (OCMD). Also called: OMD; OCCULT MACULAR DYSTROPHY, SUSCEPTIBILITY TO. Identifiers: Orphanet 247834, MedGen C3150833, MONDO:0013316, OMIM 613587, HP:0030636.

Allele frequency attached by ClinVar (database versions not stated): 1000 Genomes Project 30x 0.00016; ESP Exome Variant Server 0.00024; ExAC 0.00032; gnomAD exomes 0.00032; gnomAD 0.00033 and 0.00034; TOPMed 0.00036.
gnomAD v4.1: 743 of 1,613,634 alleles (0.046%); highest among the groups gnomAD compares: Non-Finnish European, 0.054%; no homozygotes.

Submissions (3):

Blueprint Genetics
Classification: Likely benign. Last evaluated: 2024-11-27. Review status: criteria provided, single submitter. Criteria: ACMG Guidelines, 2015. Collection method: clinical testing. Allele origin: germline.

CeGaT Center for Human Genetics Tuebingen
Classification: Likely benign. Last evaluated: 2022-05-01. Review status: criteria provided, single submitter. Criteria: CeGaT Center For Human Genetics Tuebingen Variant Classification Criteria Version 2. Collection method: clinical testing. Allele origin: germline. Affected: yes. Observed: 2 variant alleles.
Comment: RP1L1: BP4, BP7

Illumina Laboratory Services, Illumina
Classification: Benign for Occult macular dystrophy. Last evaluated: 2018-01-12. Review status: criteria provided, single submitter. Criteria: ICSL Variant Classification Criteria 13 December 2019. Collection method: clinical testing. Allele origin: germline.
Comment: This variant was observed in the ICSL laboratory as part of a predisposition screen in an ostensibly healthy population. It had not been previously curated by ICSL or reported in the Human Gene Mutation Database (HGMD: prior to June 1st, 2018), and was therefore a candidate for classification through an automated scoring system. Utilizing variant allele frequency, disease prevalence and penetrance estimates, and inheritance mode, an automated score was calculated to assess if this variant is too frequent to cause the disease. Based on the score and internal cut-off values, a variant classified as benign is not then subjected to further curation. The score for this variant resulted in a classification of benign for this disease.